The following is an entry in ClinVar:

NM_005932.4(MIPEP):c.1977C>T (p.Ala659=)

Gene: MIPEP (mitochondrial intermediate peptidase; minus strand). Cytogenetic location: 13q12.12.
Variant type: single nucleotide variant.
Coding change: c.1977C>T on transcript NM_005932.4 (MANE Select); coding-DNA position 1977, C replaced by T.
Protein change: p.Ala659=; no amino-acid change (alanine 659 retained).
Molecular consequence: synonymous variant.
Genome position (GRCh38, 1-based): chr13:23,756,612, G>A on the plus strand (C>T on the coding strand, the complement: MIPEP is on the minus strand). VCF-style: chr13-23756612-G-A. GRCh37 (hg19) VCF-style: chr13-24330751-G-A.
Identifiers: ClinVar variation 770419 (VCV000770419.45), dbSNP rs73158528, ClinGen allele CA6912754.

ClinVar aggregate classification (germline): Benign/Likely benign. Review status: criteria provided, multiple submitters, no conflicts (2 of 4 stars). 3 submissions from 3 submitters: Benign (2); Likely benign (1). Last evaluated 2026-09-01.

Allele frequency attached by ClinVar (database versions not stated): ExAC 0.00583; gnomAD exomes 0.00623; 1000 Genomes Project 0.00719; 1000 Genomes Project 30x 0.00765; gnomAD 0.00773 and 0.00786; TOPMed 0.00835; ESP Exome Variant Server 0.00838.
gnomAD v4.1: 11,945 of 1,612,656 alleles (0.74%); highest among the groups gnomAD compares: Admixed American, 0.86%; 70 homozygotes.

Submissions (3):

CeGaT Center for Human Genetics Tuebingen
Classification: Likely benign. Last evaluated: 2026-09-01. Review status: criteria provided, single submitter. Criteria: CeGaT Center For Human Genetics Tuebingen Variant Classification Criteria Version 2. Collection method: clinical testing. Allele origin: germline. Affected: yes. Observed: 27 variant alleles.
Comment: MIPEP: BP4, BP7, BS2

Labcorp Genetics (formerly Invitae), Labcorp
Classification: Benign. Last evaluated: 2026-01-29. Review status: criteria provided, single submitter. Criteria: Invitae Variant Classification Sherloc (09022015). Collection method: clinical testing. Allele origin: germline.

Breakthrough Genomics
Classification: Benign. Review status: criteria provided, single submitter. Criteria: ACMG Guidelines, 2015. Collection method: not provided. Allele origin: germline. Inheritance: Autosomal recessive inheritance. Affected: yes.